The following is an entry in ClinVar:

ClinVar aggregate classification (germline): Pathogenic (1 of 4 stars; one submission).

Conditions:
Facioscapulohumeral muscular dystrophy 2 (FSHD2). Also called: MUSCULAR DYSTROPHY, FACIOSCAPULOHUMERAL, TYPE 1B; FACIOSCAPULOHUMERAL MUSCULAR DYSTROPHY 2, DIGENIC; FSHD2, DIGENIC. Identifiers: Orphanet 269, MedGen C1834671, MONDO:0008031, OMIM 158901.

gnomAD v4.1: 1 of 1,517,042 alleles (0.000066%); highest among the groups gnomAD compares: Non-Finnish European, 0.000088%; no homozygotes.

Submission:

Labcorp Genetics (formerly Invitae), Labcorp
Classification: Pathogenic for Facioscapulohumeral muscular dystrophy 2. Last evaluated: 2019-11-06. Review status: criteria provided, single submitter. Criteria: Invitae Variant Classification Sherloc (09022015). Collection method: clinical testing. Allele origin: germline.
Comment: This sequence change creates a premature translational stop signal (p.Tyr29*) in the SMCHD1 gene. It is expected to result in an absent or disrupted protein product. This variant is not present in population databases (ExAC no frequency). This variant has not been reported in the literature in individuals with SMCHD1-related conditions. Loss-of-function variants in SMCHD1 are known to be pathogenic (PMID: 23143600). For these reasons, this variant has been classified as Pathogenic.

Literature cited by the submitters: PubMed 23143600.

NM_015295.3(SMCHD1):c.87C>A (p.Tyr29Ter)

Gene: SMCHD1 (structural maintenance of chromosomes flexible hinge domain containing 1; plus strand). Cytogenetic location: 18p11.32.
Variant type: single nucleotide variant.
Coding change: c.87C>A on transcript NM_015295.3 (MANE Select); coding-DNA position 87, C replaced by A.
Protein change: p.Tyr29Ter; replaces tyrosine 29 with a stop codon.
Molecular consequence: nonsense.
Genome position (GRCh38, 1-based): chr18:2,656,162, C>A. VCF-style: chr18-2656162-C-A. GRCh37 (hg19) VCF-style: chr18-2656161-C-A.
Other names: short protein forms Y29*.
Identifiers: ClinVar variation 955145 (VCV000955145.3), dbSNP rs2073049380, ClinGen allele CA401684911.